The following is an entry in ClinVar:

ClinVar aggregate classification (germline): Uncertain significance (1 of 4 stars; one submission).

Conditions:
Autosomal recessive ataxia, Beauce type. Also called: SYNE1-Related Autosomal Recessive Cerebellar Ataxia; Spinocerebellar ataxia, autosomal recessive 8; ATAXIA, RECESSIVE, OF BEAUCE; SYNE1 Deficiency. Identifiers: Orphanet 88644, MedGen C1853116, MONDO:0012549, OMIM 610743.
Emery-Dreifuss muscular dystrophy 4, autosomal dominant (EDMD4). Also called: EMERY-DREIFUSS MUSCULAR DYSTROPHY 4 WITH VARIABLE FEATURES. Identifiers: Orphanet 261, MedGen C2751807, MONDO:0013071, OMIM 612998.

Allele frequency attached by ClinVar (database versions not stated): gnomAD exomes below 0.00001; gnomAD 0.00001.
gnomAD v4.1: 3 of 1,613,826 alleles (0.00019%); highest among the groups gnomAD compares: Non-Finnish European, 0.00025%; no homozygotes.

Submission:

Labcorp Genetics (formerly Invitae), Labcorp
Classification: Uncertain significance for Emery-Dreifuss muscular dystrophy 4, autosomal dominant; Autosomal recessive ataxia, Beauce type. Last evaluated: 2025-05-16. Review status: criteria provided, single submitter. Criteria: Invitae Variant Classification Sherloc (09022015). Collection method: clinical testing. Allele origin: germline.
Comment: This sequence change replaces cysteine, which is neutral and slightly polar, with tyrosine, which is neutral and polar, at codon 809 of the SYNE1 protein (p.Cys809Tyr). This variant is not present in population databases (gnomAD no frequency). This variant has not been reported in the literature in individuals affected with SYNE1-related conditions. ClinVar contains an entry for this variant (Variation ID: 2149134). An algorithm developed to predict the effect of missense changes on protein structure and function (PolyPhen-2) suggests that this variant is likely to be tolerated. In summary, the available evidence is currently insufficient to determine the role of this variant in disease. Therefore, it has been classified as a Variant of Uncertain Significance.

NM_182961.4(SYNE1):c.2405G>A (p.Cys802Tyr)

Gene: SYNE1 (spectrin repeat containing nuclear envelope protein 1; minus strand). Cytogenetic location: 6q25.2.
Variant type: single nucleotide variant.
Coding change: c.2405G>A on transcript NM_182961.4 (MANE Select); coding-DNA position 2405, G replaced by A.
Protein change: p.Cys802Tyr; replaces cysteine 802 with tyrosine.
Molecular consequence: missense variant.
Genome position (GRCh38, 1-based): chr6:152,458,920, C>T on the plus strand (G>A on the coding strand, the complement: SYNE1 is on the minus strand). VCF-style: chr6-152458920-C-T. GRCh37 (hg19) VCF-style: chr6-152780055-C-T.
Other names: c.2426G>A, p.Cys809Tyr (NM_033071.5); short protein forms C809Y, C802Y.
Identifiers: ClinVar variation 2149134 (VCV002149134.4), dbSNP rs2098714274, ClinGen allele CA366118226.
Genomic context (GRCh38, chr6:152,458,920, plus strand): 5'-TTTTCTAATTCCTCCAACGGAATCAACAGCTGCTGAGACTCATAAAGGAGTGGGGAGTAA[C>T]ATTCTTTGACCTTTAAAAACATAAAGACAAAAATTCCATGAAAGACCATTAAGTGCCACT-3'
Protein context (NP_892006.3, residues 792-812): LKEQLTKVKE[Cys802Tyr]YSPLLYESQQ